The following is an entry in ClinVar:

NM_000051.4(ATM):c.5346A>C (p.Lys1782Asn)

Gene: ATM (ATM serine/threonine kinase; plus strand). Cytogenetic location: 11q22.3.
Variant type: single nucleotide variant.
Coding change: c.5346A>C on transcript NM_000051.4 (MANE Select); coding-DNA position 5346, A replaced by C.
Protein change: p.Lys1782Asn; replaces lysine 1782 with asparagine.
Molecular consequence: missense variant.
Genome position (GRCh38, 1-based): chr11:108,302,879, A>C. VCF-style: chr11-108302879-A-C. GRCh37 (hg19) VCF-style: chr11-108173606-A-C.
Other names: c.5346A>C, p.Lys1782Asn (NM_001351834.2); short protein forms K1782N.
Identifiers: ClinVar variation 524272 (VCV000524272.7), dbSNP rs1555106345, ClinGen allele CA382543196.

ClinVar aggregate classification (germline): Uncertain significance (1 of 4 stars; one submission).

Conditions:
Ataxia-telangiectasia syndrome (AT). Also called: ATAXIA-TELANGIECTASIA, COMPLEMENTATION GROUP A; ATAXIA-TELANGIECTASIA, FRESNO VARIANT; Ataxia-telangiectasia; Ataxia-telangiectasia, complementation group D; AT, COMPLEMENTATION GROUP C; Ataxia-telangiectasia, complementation group E. Identifiers: Orphanet 100, MedGen C0004135, MONDO:0008840, OMIM 208900.

Submission:

Labcorp Genetics (formerly Invitae), Labcorp
Classification: Uncertain significance for Ataxia-telangiectasia syndrome. Last evaluated: 2022-11-08. Review status: criteria provided, single submitter. Criteria: Invitae Variant Classification Sherloc (09022015). Collection method: clinical testing. Allele origin: germline.
Comment: This variant is not present in population databases (gnomAD no frequency). This sequence change replaces lysine, which is basic and polar, with asparagine, which is neutral and polar, at codon 1782 of the ATM protein (p.Lys1782Asn). This variant has not been reported in the literature in individuals affected with ATM-related conditions. In summary, the available evidence is currently insufficient to determine the role of this variant in disease. Therefore, it has been classified as a Variant of Uncertain Significance. Algorithms developed to predict the effect of missense changes on protein structure and function output the following: SIFT: "Tolerated"; PolyPhen-2: "Benign"; Align-GVGD: "Class C0". The asparagine amino acid residue is found in multiple mammalian species, which suggests that this missense change does not adversely affect protein function. ClinVar contains an entry for this variant (Variation ID: 524272).